The following is an entry in ClinVar:

NM_001375405.1(CEP120):c.810+7A>G

Gene: CEP120 (centrosomal protein 120; minus strand). Cytogenetic location: 5q23.2.
Variant type: single nucleotide variant.
Coding change: c.810+7A>G on transcript NM_001375405.1 (MANE Select); 7 bases into the intron after coding-DNA position 810, A replaced by G.
Molecular consequence: intron variant.
Genome position (GRCh38, 1-based): chr5:123,393,293, T>C on the plus strand (A>G on the coding strand, the complement: CEP120 is on the minus strand). VCF-style: chr5-123393293-T-C. GRCh37 (hg19) VCF-style: chr5-122728987-T-C.
Other names: c.810+7A>G (NM_153223.3, NM_153223.4, NM_001375406.1 and 1 more transcripts); c.732+7A>G (NM_001166226.2); c.237+7A>G (NM_001375408.1, NM_001375409.1).
Identifiers: ClinVar variation 1166193 (VCV001166193.11), dbSNP rs376913078, ClinGen allele CA3387137.

ClinVar aggregate classification (germline): Benign/Likely benign. Review status: criteria provided, multiple submitters, no conflicts (2 of 4 stars). 3 submissions from 3 submitters: Benign (1); Likely benign (1). 1 of the submissions does not count toward it. Last evaluated 2026-02-01.

Conditions:
CEP120-related disorder. Also called: CEP120-related condition; CEP120-Related Disorders.
Short-rib thoracic dysplasia 13 with or without polydactyly (SRTD13). Identifiers: Orphanet 474, MedGen C4225378, MONDO:0014577, OMIM 616300.

Allele frequency attached by ClinVar (database versions not stated): ExAC 0.00031; 1000 Genomes Project 30x 0.00047; 1000 Genomes Project 0.00060; ESP Exome Variant Server 0.00100; TOPMed 0.00121; gnomAD 0.00125 and 0.00140.
gnomAD v4.1: 359 of 1,613,892 alleles (0.022%); highest among the groups gnomAD compares: African/African-American, 0.45%; 1 homozygote.

Submissions (3):

Labcorp Genetics (formerly Invitae), Labcorp
Classification: Benign for Short-rib thoracic dysplasia 13 with or without polydactyly. Last evaluated: 2026-02-01. Review status: criteria provided, single submitter. Criteria: Invitae Variant Classification Sherloc (09022015). Collection method: clinical testing. Allele origin: germline.

Blueprint Genetics
Classification: Likely benign. Last evaluated: 2024-10-22. Review status: criteria provided, single submitter. Criteria: ACMG Guidelines, 2015. Collection method: clinical testing. Allele origin: germline.

PreventionGenetics, part of Exact Sciences
Classification: Likely benign for CEP120-related condition. Last evaluated: 2024-06-06. Review status: no assertion criteria provided. Collection method: clinical testing. Allele origin: germline. Not counted in ClinVar's aggregate classification.
Comment: This variant is classified as likely benign based on ACMG/AMP sequence variant interpretation guidelines (Richards et al. 2015 PMID: 25741868, with internal and published modifications).